The following is an entry in ClinVar:

ClinVar aggregate classification (germline): Uncertain significance (1 of 4 stars; one submission).

Allele frequency attached by ClinVar (database versions not stated): gnomAD 0.00001; gnomAD exomes 0.00001.
gnomAD v4.1: 4 of 1,210,017 alleles (0.00033%); highest among the groups gnomAD compares: Admixed American, 0.0044%; no homozygotes.

Submission:

Labcorp Genetics (formerly Invitae), Labcorp
Classification: Uncertain significance. Last evaluated: 2023-03-26. Review status: criteria provided, single submitter. Criteria: Invitae Variant Classification Sherloc (09022015). Collection method: clinical testing. Allele origin: germline.
Comment: In summary, the available evidence is currently insufficient to determine the role of this variant in disease. Therefore, it has been classified as a Variant of Uncertain Significance. Advanced modeling of protein sequence and biophysical properties (such as structural, functional, and spatial information, amino acid conservation, physicochemical variation, residue mobility, and thermodynamic stability) performed at Invitae indicates that this missense variant is expected to disrupt CFP protein function. This variant has not been reported in the literature in individuals affected with CFP-related conditions. This variant is present in population databases (no rsID available, gnomAD 0.007%). This sequence change replaces arginine, which is basic and polar, with cysteine, which is neutral and slightly polar, at codon 222 of the CFP protein (p.Arg222Cys).

NM_001145252.3(CFP):c.664C>T (p.Arg222Cys)

Gene: CFP (complement factor properdin; minus strand). Cytogenetic location: Xp11.23.
Variant type: single nucleotide variant.
Coding change: c.664C>T on transcript NM_001145252.3 (MANE Select); coding-DNA position 664, C replaced by T.
Protein change: p.Arg222Cys; replaces arginine 222 with cysteine.
Molecular consequence: missense variant.
Genome position (GRCh38, 1-based): chrX:47,627,243, G>A on the plus strand (C>T on the coding strand, the complement: CFP is on the minus strand). VCF-style: chrX-47627243-G-A. GRCh37 (hg19) VCF-style: chrX-47486642-G-A.
Other names: c.664C>T, p.Arg222Cys (NM_002621.2); short protein forms R222C.
Identifiers: ClinVar variation 2878630 (VCV002878630.3), dbSNP rs1444150137, ClinGen allele CA412838143.